The following is an entry in ClinVar:

NM_000257.4(MYH7):c.3407G>A (p.Arg1136His)

Gene: MYH7 (myosin heavy chain 7; minus strand). Cytogenetic location: 14q11.2.
Variant type: single nucleotide variant.
Coding change: c.3407G>A on transcript NM_000257.4 (MANE Select); coding-DNA position 3407, G replaced by A.
Protein change: p.Arg1136His; replaces arginine 1136 with histidine.
Molecular consequence: missense variant.
Genome position (GRCh38, 1-based): chr14:23,420,164, C>T on the plus strand (G>A on the coding strand, the complement: MYH7 is on the minus strand). VCF-style: chr14-23420164-C-T. GRCh37 (hg19) VCF-style: chr14-23889373-C-T.
Other names: p.R1136H:CGC>CAC; c.3407G>A (LRG_384t1); short protein forms R1136H.
Identifiers: ClinVar variation 181384 (VCV000181384.16), dbSNP rs730880905, ClinGen allele CA013679.

ClinVar aggregate classification (germline): Uncertain significance. Review status: criteria provided, multiple submitters, no conflicts (2 of 4 stars). 7 submissions from 7 submitters: Uncertain significance (7). Last evaluated 2026-02-02.

Conditions:
Cardiovascular phenotype. Identifiers: MedGen CN230736.
Cardiomyopathy (CMYO). Also called: Cardiomyopathies. Identifiers: Orphanet 167848, MedGen C0878544, MONDO:0004994, HP:0001638. Inheritance: Various modes of inheritance.
Hypertrophic cardiomyopathy. Also called: HYPERTROPHIC MYOCARDIOPATHY. Identifiers: Orphanet 217569, MedGen C0007194, MeSH D002312, MONDO:0005045, HP:0001639.

Allele frequency attached by ClinVar (database versions not stated): gnomAD exomes 0.00001; TOPMed 0.00001.
gnomAD v4.1: 10 of 1,601,156 alleles (0.00062%); highest among the groups gnomAD compares: South Asian, 0.0011%; no homozygotes.

Submissions (7):

Labcorp Genetics (formerly Invitae), Labcorp
Classification: Uncertain significance for Hypertrophic cardiomyopathy. Last evaluated: 2026-02-02. Review status: criteria provided, single submitter. Criteria: Invitae Variant Classification Sherloc (09022015). Collection method: clinical testing. Allele origin: germline.
Comment: This sequence change replaces arginine, which is basic and polar, with histidine, which is basic and polar, at codon 1136 of the MYH7 protein (p.Arg1136His). This variant is present in population databases (rs730880905, gnomAD 0.002%). This missense change has been observed in individual(s) with dilated cardiomyopathy and/or hypertrophic cardiomyopathy (PMID: 27247418, 30297972, 31199839, 32880476). ClinVar contains an entry for this variant (Variation ID: 181384). Invitae Evidence Modeling of protein sequence and biophysical properties (such as structural, functional, and spatial information, amino acid conservation, physicochemical variation, residue mobility, and thermodynamic stability) indicates that this missense variant is expected to disrupt MYH7 protein function with a positive predictive value of 95%. In summary, the available evidence is currently insufficient to determine the role of this variant in disease. Therefore, it has been classified as a Variant of Uncertain Significance.

Molecular Diagnostic Laboratory for Inherited Cardiovascular Disease, Montreal Heart Institute
Classification: Uncertain significance for Cardiovascular phenotype. Last evaluated: 2025-07-24. Review status: criteria provided, single submitter. Criteria: ACMG Guidelines, 2015. Collection method: clinical testing. Allele origin: germline. Affected: yes.
Comment: PM2, PS4_supp

Color Diagnostics, LLC DBA Color Health
Classification: Uncertain significance for Cardiomyopathy. Last evaluated: 2025-06-19. Review status: criteria provided, single submitter. Criteria: ACMG Guidelines, 2015. Collection method: clinical testing. Allele origin: germline.
Comment: This missense variant replaces arginine with histidine at codon 1136 of the MYH7 protein. Computational prediction suggests that this variant may have a deleterious impact on protein structure and function. To our knowledge, functional studies have not been reported for this variant. This variant has been reported in an individual affected with hypertrophic cardiomyopathy (PMID: 27247418, 30297972, 31199839) and in an individual affected with dilated cardiomyopathy (PMID: 32880476). This variant has been identified in 2/229890 chromosomes in the general population by the Genome Aggregation Database (gnomAD). The available evidence is insufficient to determine the role of this variant in disease conclusively. Therefore, this variant is classified as a Variant of Uncertain Significance.

Ambry Genetics
Classification: Uncertain significance for Cardiovascular phenotype. Last evaluated: 2025-05-01. Review status: criteria provided, single submitter. Criteria: Ambry Variant Classification Scheme 2023. Collection method: clinical testing. Allele origin: germline.
Comment: The p.R1136H variant (also known as c.3407G>A), located in coding exon 25 of the MYH7 gene, results from a G to A substitution at nucleotide position 3407. The arginine at codon 1136 is replaced by histidine, an amino acid with highly similar properties. This variant has been reported in hypertrophic cardiomyopathy (HCM) and dilated cardiomyopathy (DCM) cohorts (Homburger JR et al. Proc Natl Acad Sci U S A, 2016 Jun;113:6701-6; Miller RJH et al. PLoS One, 2019 Jun;14:e0217612; Verdonschot JAJ et al. Circ Genom Precis Med, 2020 Oct;13:476-487). This amino acid position is highly conserved in available vertebrate species. In addition, this alteration is predicted to be deleterious by in silico analysis. Based on the available evidence, the clinical significance of this variant remains unclear.

Women's Health and Genetics/Laboratory Corporation of America, LabCorp
Classification: Uncertain significance. Last evaluated: 2022-02-12. Review status: criteria provided, single submitter. Criteria: LabCorp Variant Classification Summary - May 2015. Collection method: clinical testing. Allele origin: germline.
Comment: Variant summary: MYH7 c.3407G>A (p.Arg1136His) results in a non-conservative amino acid change located in the Myosin tail domain (IPR002928) of the encoded protein sequence. Five of five in-silico tools predict a damaging effect of the variant on protein function. The variant allele was found at a frequency of 8.7e-06 in 229890 control chromosomes. The available data on variant occurrences in the general population are insufficient to allow any conclusion about variant significance. c.3407G>A has been reported in the literature as a VUS in settings of exome/multigene panel testing in overlapping cohorts of individuals with HCM such as SHARE (Sarcomeric Human Cardiomyopathy Registry) (example, Homburger_2017, Ho_2018, Miller_2019) and as a VUS in at-least one individual with DCM from the Maastricht Cardiomyopathy Registry, undergoing genetic evaluation using a 48 cardiomyopathy-associated gene-panel (example, Verdonschot_2020). These report(s) do not provide unequivocal conclusions about association of the variant with MYH7-associated Cardiomyopathy. To our knowledge, no experimental evidence demonstrating an impact on protein function has been reported. Two clinical diagnostic laboratories have submitted clinical-significance assessments for this variant to ClinVar after 2014 without evidence for independent evaluation. All laboratories classified the variant as uncertain significance. Based on the evidence outlined above, the variant was classified as uncertain significance.

GeneDx
Classification: Uncertain significance. Last evaluated: 2020-06-19. Review status: criteria provided, single submitter. Criteria: GeneDx Variant Classification Process June 2021. Collection method: clinical testing. Allele origin: germline. Affected: yes.
Comment: Identified in association with hypertrophic cardiomyopathy (HCM) in published literature (Homburger et al., 2016); Not observed at a significant frequency in large population cohorts (Lek et al., 2016); Reported in ClinVar as a variant of uncertain significance (ClinVar Variant ID#181384; Landrum et al., 2016); In silico analysis supports that this missense variant has a deleterious effect on protein structure/function; This variant is associated with the following publications: (PMID: 27247418, 32880476)

Stanford Center for Inherited Cardiovascular Disease, Stanford University
Classification: Uncertain significance. Last evaluated: 2013-01-07. Review status: criteria provided, single submitter. Criteria: ACMG Guidelines, 2015. Collection method: provider interpretation. Allele origin: germline.

Literature cited by the submitters: PubMed 27247418 (cited by 4 submitters); PubMed 30297972 (cited by 3 submitters); PubMed 31199839 (cited by 4 submitters); PubMed 32880476 (cited by 4 submitters); PubMed 34542152 (cited by Women's Health and Genetics/Laboratory Corporation of America, LabCorp).